The following is an entry in ClinVar:

NM_006084.5(IRF9):c.1079A>G (p.His360Arg)

Gene: IRF9 (interferon regulatory factor 9; plus strand). Cytogenetic location: 14q12.
Variant type: single nucleotide variant.
Coding change: c.1079A>G on transcript NM_006084.5 (MANE Select); coding-DNA position 1079, A replaced by G.
Protein change: p.His360Arg; replaces histidine 360 with arginine.
Molecular consequence: missense variant. On other transcripts: synonymous variant (2).
Genome position (GRCh38, 1-based): chr14:24,165,934, A>G. VCF-style: chr14-24165934-A-G. GRCh37 (hg19) VCF-style: chr14-24635143-A-G.
Other names: c.1233A>G, p.Pro411= (NM_001385400.1); c.1106A>G, p.His369Arg (NM_001385401.1); c.816A>G, p.Pro272= (NM_001385402.1); short protein forms H369R, H360R.
Identifiers: ClinVar variation 2200710 (VCV002200710.4), dbSNP rs150075869, ClinGen allele CA7126652.

ClinVar aggregate classification (germline): Uncertain significance (1 of 4 stars; one submission).

Allele frequency attached by ClinVar (database versions not stated): TOPMed 0.00003; ExAC 0.00004; gnomAD 0.00005; gnomAD exomes 0.00006; ESP Exome Variant Server 0.00008.

Submission:

Labcorp Genetics (formerly Invitae), Labcorp
Classification: Uncertain significance. Last evaluated: 2025-10-24. Review status: criteria provided, single submitter. Criteria: Invitae Variant Classification Sherloc (09022015). Collection method: clinical testing. Allele origin: germline.
Comment: This sequence change replaces histidine, which is basic and polar, with arginine, which is basic and polar, at codon 360 of the IRF9 protein (p.His360Arg). This variant is present in population databases (rs150075869, gnomAD 0.008%). This variant has not been reported in the literature in individuals affected with IRF9-related conditions. ClinVar contains an entry for this variant (Variation ID: 2200710). An algorithm developed to predict the effect of missense changes on protein structure and function (PolyPhen-2) suggests that this variant is likely to be tolerated. In summary, the available evidence is currently insufficient to determine the role of this variant in disease. Therefore, it has been classified as a Variant of Uncertain Significance.